The following is an entry in ClinVar:

NM_003401.5(XRCC4):c.166G>A (p.Ala56Thr)

Gene: XRCC4 (X-ray repair cross complementing 4; plus strand). Cytogenetic location: 5q14.2.
Variant type: single nucleotide variant.
Coding change: c.166G>A on transcript NM_003401.5 (MANE Select); coding-DNA position 166, G replaced by A.
Protein change: p.Ala56Thr; replaces alanine 56 with threonine.
Molecular consequence: missense variant.
Genome position (GRCh38, 1-based): chr5:83,111,054, G>A. VCF-style: chr5-83111054-G-A. GRCh37 (hg19) VCF-style: chr5-82406873-G-A.
Other names: c.166G>A, p.Ala56Thr (NM_001318012.3, NM_001318013.2, NM_022406.5 and 1 more transcripts); short protein forms A56T.
Identifiers: ClinVar variation 1307675 (VCV001307675.8), dbSNP rs28383151, ClinGen allele CA3332098.

ClinVar aggregate classification (germline): Uncertain significance. Review status: criteria provided, multiple submitters, no conflicts (2 of 4 stars). 3 submissions from 3 submitters: Uncertain significance (3). Last evaluated 2026-07-17.

Conditions:
Short stature, microcephaly, and endocrine dysfunction (SSMED). Identifiers: Orphanet 436182, MedGen C4225288, MONDO:0014686, OMIM 616541.

Allele frequency attached by ClinVar (database versions not stated): 1000 Genomes Project 30x 0.00031; ESP Exome Variant Server 0.00054; gnomAD 0.00051 and 0.00052; 1000 Genomes Project 0.00040; gnomAD exomes 0.00043 and 0.00082; ExAC 0.00041; TOPMed 0.00069.
gnomAD v4.1: 1,264 of 1,608,256 alleles (0.079%); highest among the groups gnomAD compares: Non-Finnish European, 0.098%; 3 homozygotes.

Submissions (3):

GeneDx
Classification: Uncertain significance. Last evaluated: 2026-07-17. Review status: criteria provided, single submitter. Criteria: GeneDx Variant Classification Process June 2021. Collection method: clinical testing. Allele origin: germline.
Comment: Published case-control studies suggest A56T, referred to as rs28383151-GA, may modify the risk and prognosis of hepatocellular carcinoma caused by exposure to aflatoxin B1, a chemical carcinogen (PMID: 23390017, 25337275); In silico analysis, which includes protein predictors and evolutionary conservation, supports a deleterious effect; This variant is associated with the following publications: (PMID: 29452234, 25337275, 23390017, Taha[thesis]2023)

Labcorp Genetics (formerly Invitae), Labcorp
Classification: Uncertain significance. Last evaluated: 2022-10-13. Review status: criteria provided, single submitter. Criteria: Invitae Variant Classification Sherloc (09022015). Collection method: clinical testing. Allele origin: germline.
Comment: This sequence change replaces alanine with threonine at codon 56 of the XRCC4 protein (p.Ala56Thr). The alanine residue is highly conserved and there is a small physicochemical difference between alanine and threonine. This variant is present in population databases (rs28383151, gnomAD 0.08%), and has an allele count higher than expected for a pathogenic variant. This variant has not been reported in the literature in individuals affected with XRCC4-related conditions. ClinVar contains an entry for this variant (Variation ID: 1307675). Advanced modeling of protein sequence and biophysical properties (such as structural, functional, and spatial information, amino acid conservation, physicochemical variation, residue mobility, and thermodynamic stability) performed at Invitae indicates that this missense variant is expected to disrupt XRCC4 protein function. In summary, the available evidence is currently insufficient to determine the role of this variant in disease. Therefore, it has been classified as a Variant of Uncertain Significance.

Fulgent Genetics
Classification: Uncertain significance for Short stature, microcephaly, and endocrine dysfunction. Last evaluated: 2022-03-29. Review status: criteria provided, single submitter. Criteria: ACMG Guidelines, 2015. Collection method: clinical testing. Allele origin: unknown.